The following is an entry in ClinVar:

NM_001130438.3(SPTAN1):c.2004A>C (p.Glu668Asp)

Gene: SPTAN1 (spectrin alpha, non-erythrocytic 1; plus strand). Cytogenetic location: 9q34.11.
Variant type: single nucleotide variant.
Coding change: c.2004A>C on transcript NM_001130438.3 (MANE Select); coding-DNA position 2004, A replaced by C.
Protein change: p.Glu668Asp; replaces glutamic acid 668 with aspartic acid.
Molecular consequence: missense variant.
Genome position (GRCh38, 1-based): chr9:128,583,274, A>C. VCF-style: chr9-128583274-A-C. GRCh37 (hg19) VCF-style: chr9-131345553-A-C.
Other names: c.2004A>C, p.Glu668Asp (NM_001195532.2, NM_001363759.2, NM_001363765.2 and 5 more transcripts); c.2040A>C, p.Glu680Asp (NM_001375312.2, NM_001375318.1); short protein forms E668D, E680D.
Identifiers: ClinVar variation 3346496 (VCV003346496.1).

ClinVar aggregate classification (germline): Uncertain significance (0 of 4 stars; one submission).

Conditions:
SPTAN1-related disorder. Also called: SPTAN1-related disorders; SPTAN1-related condition.

Submission:

PreventionGenetics, part of Exact Sciences
Classification: Uncertain significance for SPTAN1-related condition. Last evaluated: 2024-05-02. Review status: no assertion criteria provided. Collection method: clinical testing. Allele origin: germline.
Comment: The SPTAN1 c.2004A>C variant is predicted to result in the amino acid substitution p.Glu668Asp. To our knowledge, this variant has not been reported in the literature or in a large population database, indicating this variant is rare. At this time, the clinical significance of this variant is uncertain due to the absence of conclusive functional and genetic evidence.